The following is an entry in ClinVar:

ClinVar aggregate classification (germline): Uncertain significance (1 of 4 stars; one submission).

Conditions:
Peroxisome biogenesis disorder 2B (PBD2B). Identifiers: Orphanet 44, MedGen C3550234, MONDO:0008736, OMIM 202370.

Submission:

Labcorp Genetics (formerly Invitae), Labcorp
Classification: Uncertain significance for Peroxisome biogenesis disorder 2B. Last evaluated: 2022-08-23. Review status: criteria provided, single submitter. Criteria: Invitae Variant Classification Sherloc (09022015). Collection method: clinical testing. Allele origin: germline.
Comment: This sequence change results in a frameshift in the PEX5 gene (p.Thr633Cysfs*26). While this is not anticipated to result in nonsense mediated decay, it is expected to disrupt the last 7 amino acid(s) of the PEX5 protein and extend the protein by 18 additional amino acid residues. This variant is not present in population databases (gnomAD no frequency). This variant has not been reported in the literature in individuals affected with PEX5-related conditions. ClinVar contains an entry for this variant (Variation ID: 1040777). Experimental studies and prediction algorithms are not available or were not evaluated, and the functional significance of this variant is currently unknown. In summary, the available evidence is currently insufficient to determine the role of this variant in disease. Therefore, it has been classified as a Variant of Uncertain Significance.

NM_001351132.2(PEX5):c.1897_1900del (p.Thr633fs)

Gene: PEX5 (peroxisomal biogenesis factor 5; plus strand). Cytogenetic location: 12p13.31.
Variant type: Deletion.
Coding change: c.1897_1900del on transcript NM_001351132.2 (MANE Select); coding-DNA positions 1897 to 1900, 4 bases deleted (ACTA; older notation c.1897_1900delACTA).
Protein change: p.Thr633fs; shifts the reading frame from threonine 633.
Molecular consequence: frameshift variant.
Genome position (GRCh38, 1-based): chr12:7,210,200-7,210,203, ACTA deleted; deleting any 4 consecutive bases within chr12:7,210,197-7,210,203 gives the same sequence; the c. name uses the placement nearest the transcript's 3' end. VCF-style (leftmost placement, unchanged base first): chr12-7210196-CCTAA-C. GRCh37 (hg19) VCF-style: chr12-7362792-CCTAA-C.
Other names: c.1873_1876del, p.Thr625fs (NM_000319.5); c.1942_1945del, p.Thr648fs (NM_001131023.2); c.1786_1789del, p.Thr596fs (NM_001131024.2, NM_001351124.3, NM_001351126.2 and 7 more transcripts); c.1897_1900del, p.Thr633fs (NM_001131025.2, NM_001131026.2, NM_001300789.3 and 4 more transcripts); c.1831_1834del, p.Thr611fs (NM_001351135.3, NM_001351138.2); c.1888_1891del, p.Thr630fs (NM_001351136.2); c.1762_1765del, p.Thr588fs (NM_001351139.2, NM_001351140.2, NM_001374649.2); short protein forms T648fs, T588fs, T611fs, T625fs, T633fs, T596fs, T630fs.
Identifiers: ClinVar variation 1040777 (VCV001040777.4), dbSNP rs1183517073, ClinGen allele CA691586161.